The following is an entry in ClinVar:

ClinVar aggregate classification (germline): Uncertain significance. Review status: criteria provided, multiple submitters, no conflicts (2 of 4 stars). 2 submissions from 2 submitters: Uncertain significance (2). Last evaluated 2025-10-03.

Allele frequency attached by ClinVar (database versions not stated): gnomAD 0.00002; ExAC 0.00003; TOPMed 0.00001; 1000 Genomes Project 30x 0.00021; 1000 Genomes Project 0.00026.
gnomAD v4.1: 9 of 1,206,080 alleles (0.00075%); highest among the groups gnomAD compares: African/African-American, 0.0035%; no homozygotes.

Submissions (2):

Labcorp Genetics (formerly Invitae), Labcorp
Classification: Uncertain significance. Last evaluated: 2025-10-03. Review status: criteria provided, single submitter. Criteria: Invitae Variant Classification Sherloc (09022015). Collection method: clinical testing. Allele origin: germline.
Comment: This sequence change replaces asparagine, which is neutral and polar, with serine, which is neutral and polar, at codon 712 of the TBC1D8B protein (p.Asn712Ser). This variant is present in population databases (rs149271926, gnomAD 0.004%). This variant has not been reported in the literature in individuals affected with TBC1D8B-related conditions. ClinVar contains an entry for this variant (Variation ID: 3174717). An algorithm developed to predict the effect of missense changes on protein structure and function outputs the following: PolyPhen-2: "Benign". The serine amino acid residue is found in multiple mammalian species, which suggests that this missense change does not adversely affect protein function. In summary, the available evidence is currently insufficient to determine the role of this variant in disease. Therefore, it has been classified as a Variant of Uncertain Significance.

Ambry Genetics
Classification: Uncertain significance. Last evaluated: 2023-10-17. Review status: criteria provided, single submitter. Criteria: Ambry Variant Classification Scheme 2023. Collection method: clinical testing. Allele origin: germline.

NM_017752.3(TBC1D8B):c.2135A>G (p.Asn712Ser)

Gene: TBC1D8B (TBC1 domain family member 8B; plus strand). Cytogenetic location: Xq22.3.
Variant type: single nucleotide variant.
Coding change: c.2135A>G on transcript NM_017752.3 (MANE Select); coding-DNA position 2135, A replaced by G.
Protein change: p.Asn712Ser; replaces asparagine 712 with serine.
Molecular consequence: missense variant.
Genome position (GRCh38, 1-based): chrX:106,853,532, A>G. VCF-style: chrX-106853532-A-G. GRCh37 (hg19) VCF-style: chrX-106096762-A-G.
Other names: short protein forms N712S.
Identifiers: ClinVar variation 3174717 (VCV003174717.3), dbSNP rs149271926, ClinGen allele CA10483289.